The following is an entry in ClinVar:

ClinVar aggregate classification (germline): Uncertain significance. Review status: criteria provided, multiple submitters, no conflicts (2 of 4 stars). 2 submissions from 2 submitters: Uncertain significance (2). Last evaluated 2025-05-28.

Conditions:
Inborn genetic diseases. Identifiers: MedGen C0950123, MeSH D030342.

Allele frequency attached by ClinVar (database versions not stated): gnomAD 0.00001; TOPMed 0.00003.
gnomAD v4.1: 7 of 1,455,942 alleles (0.00048%); highest among the groups gnomAD compares: African/African-American, 0.0059%; no homozygotes.

Submissions (2):

Ambry Genetics
Classification: Uncertain significance for Inborn genetic diseases. Last evaluated: 2025-05-28. Review status: criteria provided, single submitter. Criteria: Ambry Variant Classification Scheme 2023. Collection method: clinical testing. Allele origin: germline.

Labcorp Genetics (formerly Invitae), Labcorp
Classification: Uncertain significance. Last evaluated: 2025-02-24. Review status: criteria provided, single submitter. Criteria: Invitae Variant Classification Sherloc (09022015). Collection method: clinical testing. Allele origin: germline.
Comment: This sequence change replaces proline, which is neutral and non-polar, with arginine, which is basic and polar, at codon 2142 of the APC2 protein (p.Pro2142Arg). This variant is not present in population databases (gnomAD no frequency). This variant has not been reported in the literature in individuals affected with APC2-related conditions. ClinVar contains an entry for this variant (Variation ID: 2000202). Invitae Evidence Modeling of protein sequence and biophysical properties (such as structural, functional, and spatial information, amino acid conservation, physicochemical variation, residue mobility, and thermodynamic stability) indicates that this missense variant is not expected to disrupt APC2 protein function with a negative predictive value of 80%. In summary, the available evidence is currently insufficient to determine the role of this variant in disease. Therefore, it has been classified as a Variant of Uncertain Significance.

NM_005883.3(APC2):c.6425C>G (p.Pro2142Arg)

Gene: APC2 (APC regulator of Wnt signaling pathway 2; plus strand). Cytogenetic location: 19p13.3.
Variant type: single nucleotide variant.
Coding change: c.6425C>G on transcript NM_005883.3 (MANE Select); coding-DNA position 6425, C replaced by G.
Protein change: p.Pro2142Arg; replaces proline 2142 with arginine.
Molecular consequence: missense variant.
Genome position (GRCh38, 1-based): chr19:1,469,726, C>G. VCF-style: chr19-1469726-C-G. GRCh37 (hg19) VCF-style: chr19-1469725-C-G.
Other names: c.6422C>G, p.Pro2141Arg (NM_001351273.1); c.6425C>G (NM_005883.2); short protein forms P2141R, P2142R.
Identifiers: ClinVar variation 2000202 (VCV002000202.5), dbSNP rs1013882237, ClinGen allele CA304082269.